The following is an entry in ClinVar:

NM_000170.3(GLDC):c.2068del (p.Glu690fs)

Gene: GLDC (glycine decarboxylase; minus strand). Cytogenetic location: 9p24.1.
Variant type: Deletion.
Coding change: c.2068del on transcript NM_000170.3 (MANE Select); coding-DNA position 2068, one base deleted (G; older notation c.2068delG).
Protein change: p.Glu690fs; shifts the reading frame from glutamic acid 690.
Molecular consequence: frameshift variant.
Genome position (GRCh38, 1-based): chr9:6,556,287, C deleted on the plus strand (G on the coding strand, the reverse complement: GLDC is on the minus strand); the first of 2 consecutive C bases (chr9:6,556,287-6,556,288); deleting either gives the same sequence. VCF-style (leftmost placement, unchanged base first): chr9-6556286-TC-T. GRCh37 (hg19) VCF-style: chr9-6556286-TC-T.
Other names: c.2067delG, p.Glu690Argfs (NM_000170.2); short protein forms E690fs.
Identifiers: ClinVar variation 4817856 (VCV004817856.1).

ClinVar aggregate classification (germline): Likely pathogenic (1 of 4 stars; one submission).

Conditions:
Glycine encephalopathy. Also called: Nonketotic hyperglycinemia; Non-ketotic hyperglycinemia. Identifiers: Orphanet 407, MedGen C0751748, MONDO:0011612, HP:0008288.

Submission:

Natera, Inc.
Classification: Likely pathogenic for Non-ketotic hyperglycinemia. Last evaluated: 2024-08-06. Review status: criteria provided, single submitter. Criteria: Natera Variant Classification Schema (03/2026). Collection method: clinical testing. Allele origin: germline.
Comment: The c.2068del variant in GLDC is a frameshift variant predicted to shift the reading frame beginning at codon 690 and leads to a stop codon 3 codons downstream. This variant is expected to result in nonsense mediated decay, truncation, or a dysfunctional protein product. This variant is rare in the general population with a frequency below the threshold expected for the associated phenotype(s). Given the available evidence, this variant is classified as Likely Pathogenic.